The following is an entry in ClinVar:

ClinVar aggregate classification (germline): Pathogenic. Review status: criteria provided, multiple submitters, no conflicts (2 of 4 stars). 3 submissions from 3 submitters: Pathogenic (3). Last evaluated 2026-04-07.

Conditions:
Hereditary cancer-predisposing syndrome. Also called: Neoplastic Syndromes, Hereditary; Tumor predisposition; Hereditary Cancer Syndrome; Hereditary neoplastic syndrome. Identifiers: Orphanet 140162, MedGen C0027672, MeSH D009386, MONDO:0015356.
Familial cancer of breast. Also called: Hereditary breast cancer; hereditary breast carcinoma; BREAST CANCER, FAMILIAL. Identifiers: Orphanet 227535, MedGen C0346153, MONDO:0016419, OMIM 114480. Disease mechanism: loss of function.

Submissions (3):

Ambry Genetics
Classification: Pathogenic for Hereditary cancer-predisposing syndrome. Last evaluated: 2026-04-07. Review status: criteria provided, single submitter. Criteria: Ambry Variant Classification Scheme 2023. Collection method: clinical testing. Allele origin: germline.
Comment: The p.Y512* pathogenic mutation (also known as c.1536C>G), located in coding exon 4 of the PALB2 gene, results from a C to G substitution at nucleotide position 1536. This changes the amino acid from a tyrosine to a stop codon within coding exon 4. This variant is considered to be rare based on population cohorts in the Genome Aggregation Database (gnomAD). This variant is expected to result in loss of function by premature protein truncation or nonsense-mediated mRNA decay. As such, this variant is interpreted as a disease-causing mutation.

Labcorp Genetics (formerly Invitae), Labcorp
Classification: Pathogenic for Familial cancer of breast. Last evaluated: 2025-04-02. Review status: criteria provided, single submitter. Criteria: Invitae Variant Classification Sherloc (09022015). Collection method: clinical testing. Allele origin: germline.
Comment: This sequence change creates a premature translational stop signal (p.Tyr512*) in the PALB2 gene. It is expected to result in an absent or disrupted protein product. Loss-of-function variants in PALB2 are known to be pathogenic (PMID: 17200668, 17200671, 17200672, 24136930, 25099575). This variant is not present in population databases (gnomAD no frequency). This premature translational stop signal has been observed in individual(s) with breast cancer (PMID: 30287823). ClinVar contains an entry for this variant (Variation ID: 2031615). For these reasons, this variant has been classified as Pathogenic.

Myriad Genetics, Inc.
Classification: Pathogenic for Familial cancer of breast. Last evaluated: 2023-09-08. Review status: criteria provided, single submitter. Criteria: Myriad Autosomal Dominant, Autosomal Recessive and X-Linked Classification Criteria (2023). Collection method: clinical testing. Allele origin: unknown.
Comment: This variant is considered pathogenic. This variant creates a termination codon and is predicted to result in premature protein truncation.

Literature cited by the submitters: PubMed 17200668 (cited by Labcorp Genetics (formerly Invitae), Labcorp); PubMed 17200671 (cited by Labcorp Genetics (formerly Invitae), Labcorp); PubMed 17200672 (cited by Labcorp Genetics (formerly Invitae), Labcorp); PubMed 24136930 (cited by Labcorp Genetics (formerly Invitae), Labcorp); PubMed 25099575 (cited by Labcorp Genetics (formerly Invitae), Labcorp); PubMed 30287823 (cited by Labcorp Genetics (formerly Invitae), Labcorp).

NM_024675.4(PALB2):c.1536C>G (p.Tyr512Ter)

Gene: PALB2 (partner and localizer of BRCA2; minus strand). Cytogenetic location: 16p12.2.
Variant type: single nucleotide variant.
Coding change: c.1536C>G on transcript NM_024675.4 (MANE Select); coding-DNA position 1536, C replaced by G.
Protein change: p.Tyr512Ter; replaces tyrosine 512 with a stop codon.
Molecular consequence: nonsense.
Genome position (GRCh38, 1-based): chr16:23,635,010, G>C on the plus strand (C>G on the coding strand, the complement: PALB2 is on the minus strand). VCF-style: chr16-23635010-G-C. GRCh37 (hg19) VCF-style: chr16-23646331-G-C.
Other names: c.1536C>G, p.Tyr512Ter (NM_001407302.1, NM_001407297.1, NM_001407298.1 and 3 more transcripts); c.651C>G, p.Tyr217Ter (NM_001407304.1, NM_001407305.1, NM_001407306.1 and 5 more transcripts); c.1476C>G, p.Tyr492Ter (NM_001407296.1); short protein forms Y492*, Y512*, Y217*.
Identifiers: ClinVar variation 2031615 (VCV002031615.6), dbSNP rs1567220802, ClinGen allele CA395130911.